The following is an entry in ClinVar:

ClinVar aggregate classification (germline): Uncertain significance. Review status: criteria provided, multiple submitters, no conflicts (2 of 4 stars). 2 submissions from 2 submitters: Uncertain significance (2). Last evaluated 2026-06-26.

Conditions:
Cystic fibrosis (CF). Also called: MUCOVISCIDOSIS. Identifiers: Orphanet 586, MedGen C0010674, MONDO:0009061, OMIM 219700. Disease mechanism: loss of function.

Allele frequency attached by ClinVar (database versions not stated): TOPMed 0.00002.

Submissions (2):

Ambry Genetics
Classification: Uncertain significance for Cystic fibrosis. Last evaluated: 2026-06-26. Review status: criteria provided, single submitter. Criteria: Ambry Variant Classification Scheme 2023. Collection method: clinical testing. Allele origin: germline.
Comment: The p.K481E variant (also known as c.1441A>G), located in coding exon 11 of the CFTR gene, results from an A to G substitution at nucleotide position 1441. The lysine at codon 481 is replaced by glutamic acid, an amino acid with similar properties. This amino acid position is well conserved in available vertebrate species. In addition, this alteration is predicted to be deleterious by in silico analysis. Based on the available evidence, the clinical significance of this variant remains unclear.

Labcorp Genetics (formerly Invitae), Labcorp
Classification: Uncertain significance for Cystic fibrosis. Last evaluated: 2024-11-11. Review status: criteria provided, single submitter. Criteria: Invitae Variant Classification Sherloc (09022015). Collection method: clinical testing. Allele origin: germline.
Comment: This sequence change replaces lysine, which is basic and polar, with glutamic acid, which is acidic and polar, at codon 481 of the CFTR protein (p.Lys481Glu). This variant is not present in population databases (gnomAD no frequency). This missense change has been observed in individual(s) with atypical cystic fibrosis (PMID: 16189704). This variant is also known as c.1573 A>G. ClinVar contains an entry for this variant (Variation ID: 2039385). Invitae Evidence Modeling of protein sequence and biophysical properties (such as structural, functional, and spatial information, amino acid conservation, physicochemical variation, residue mobility, and thermodynamic stability) indicates that this missense variant is not expected to disrupt CFTR protein function with a negative predictive value of 80%. In summary, the available evidence is currently insufficient to determine the role of this variant in disease. Therefore, it has been classified as a Variant of Uncertain Significance.

Literature cited by the submitters: PubMed 16189704 (cited by Ambry Genetics and Labcorp Genetics (formerly Invitae), Labcorp).

NM_000492.4(CFTR):c.1441A>G (p.Lys481Glu)

Genes: CFTR (CF transmembrane conductance regulator; plus strand), CFTR-AS1 (CFTR antisense RNA 1; minus strand). Cytogenetic location: 7q31.2.
Variant type: single nucleotide variant.
Coding change: c.1441A>G on transcript NM_000492.4 (MANE Select); coding-DNA position 1441, A replaced by G.
Protein change: p.Lys481Glu; replaces lysine 481 with glutamic acid.
Molecular consequence: missense variant.
Genome position (GRCh38, 1-based): chr7:117,559,512, A>G. VCF-style: chr7-117559512-A-G. GRCh37 (hg19) VCF-style: chr7-117199566-A-G.
Other names: short protein forms K481E.
Identifiers: ClinVar variation 2039385 (VCV002039385.4), dbSNP rs990004450, ClinGen allele CA164967690.
Genomic context (GRCh38, chr7:117,559,512, plus strand): 5'-TTTTATTTCCAGACTTCACTTCTAATGGTGATTATGGGAGAACTGGAGCCTTCAGAGGGT[A>G]AAATTAAGCACAGTGGAAGAATTTCATTCTGTTCTCAGTTTTCCTGGATTATGCCTGGCA-3'
Protein context (NP_000483.3, residues 471-491): IMGELEPSEG[Lys481Glu]IKHSGRISFC